The following is an entry in ClinVar:

ClinVar aggregate classification (germline): Uncertain significance (1 of 4 stars; one submission).

Conditions:
POLD1-related polyposis and colorectal cancer syndrome (CRCS10). Also called: Colorectal cancer 10; COLORECTAL CANCER, SUSCEPTIBILITY TO, ON CHROMOSOME 19q; Colorectal cancer, susceptibility to, 10. Identifiers: Orphanet 220460, MedGen C2675481, MONDO:0012953, OMIM 612591.

Submission:

Labcorp Genetics (formerly Invitae), Labcorp
Classification: Uncertain significance for POLD1-related polyposis and colorectal cancer syndrome. Last evaluated: 2019-09-20. Review status: criteria provided, single submitter. Criteria: Invitae Variant Classification Sherloc (09022015). Collection method: clinical testing. Allele origin: germline.
Comment: This variant is not present in population databases (ExAC no frequency). In summary, the available evidence is currently insufficient to determine the role of this variant in disease. Therefore, it has been classified as a Variant of Uncertain Significance. Algorithms developed to predict the effect of missense changes on protein structure and function are either unavailable or do not agree on the potential impact of this missense change (SIFT: "Deleterious"; PolyPhen-2: "Probably Damaging"; Align-GVGD: "Class C0"). This variant has not been reported in the literature in individuals with POLD1-related conditions. This sequence change replaces phenylalanine with serine at codon 970 of the POLD1 protein (p.Phe970Ser). The phenylalanine residue is moderately conserved and there is a large physicochemical difference between phenylalanine and serine.

NM_002691.4(POLD1):c.2909T>C (p.Phe970Ser)

Gene: POLD1 (DNA polymerase delta 1, catalytic subunit; plus strand). Cytogenetic location: 19q13.33.
Variant type: single nucleotide variant.
Coding change: c.2909T>C on transcript NM_002691.4 (MANE Select); coding-DNA position 2909, T replaced by C.
Protein change: p.Phe970Ser; replaces phenylalanine 970 with serine.
Molecular consequence: missense variant. On other transcripts: non-coding transcript variant (1).
Genome position (GRCh38, 1-based): chr19:50,416,484, T>C. VCF-style: chr19-50416484-T-C. GRCh37 (hg19) VCF-style: chr19-50919741-T-C.
Other names: c.2909T>C, p.Phe970Ser (NM_001256849.1); c.2987T>C, p.Phe996Ser (NM_001308632.1); short protein forms F970S, F996S.
Identifiers: ClinVar variation 955730 (VCV000955730.9), dbSNP rs2039296786, ClinGen allele CA406986553.